The following is an entry in ClinVar:

ClinVar aggregate classification (germline): Uncertain significance (1 of 4 stars; one submission).

Conditions:
Hereditary cancer-predisposing syndrome. Also called: Neoplastic Syndromes, Hereditary; Tumor predisposition; Hereditary neoplastic syndrome; Hereditary Cancer Syndrome. Identifiers: Orphanet 140162, MedGen C0027672, MeSH D009386, MONDO:0015356.

Submission:

Ambry Genetics
Classification: Uncertain significance for Hereditary cancer-predisposing syndrome. Last evaluated: 2025-05-25. Review status: criteria provided, single submitter. Criteria: Ambry Variant Classification Scheme 2023. Collection method: clinical testing. Allele origin: germline.
Comment: The c.462_463delGCinsTT variant (also known as p.K154_P155delinsNS), located in coding exon 3 of the KIT gene, results from an in-frame deletion of GC and insertion of TT at nucleotide positions 462 to 463. This results in the substitution of lysine and proline residues for asparagine and serine residues at codon 154 and 155. This amino acid region is well conserved in available vertebrate species. In addition, the in silico prediction for this variant is inconclusive (Choi Y et al. PLoS ONE. 2012; 7(10):e46688). Based on the available evidence, the clinical significance of this variant remains unclear.

NM_000222.3(KIT):c.462_463delinsTT (p.Lys154_Pro155delinsAsnSer)

Gene: KIT (KIT proto-oncogene, receptor tyrosine kinase; plus strand). Cytogenetic location: 4q12.
Variant type: Indel.
Coding change: c.462_463delinsTT on transcript NM_000222.3 (MANE Select); coding-DNA positions 462 to 463, GC replaced by TT.
Protein change: p.Lys154_Pro155delinsAsnSer.
Molecular consequence: missense variant.
Genome position (GRCh38, 1-based): chr4:54,698,408-54,698,409, GC replaced by TT. VCF-style: chr4-54698408-GC-TT. GRCh37 (hg19) VCF-style: chr4-55564574-GC-TT.
Other names: c.462_463delinsTT, p.Lys154_Pro155delinsAsnSer (NM_001093772.2, NM_001385284.1, NM_001385285.1 and 4 more transcripts).
Identifiers: ClinVar variation 4043769 (VCV004043769.1).
Genomic context (GRCh38, chr4:54,698,408, plus strand): 5'-CCGCTGTCCTCTCACAGACCCAGAAGTGACCAATTATTCCCTCAAGGGGTGCCAGGGGAA[GC>TT]CTCTTCCCAAGGACTTGAGGTTTATTCCTGACCCCAAGGCGGGCATCATGATCAAAAGTG-3'